The following is an entry in ClinVar:

ClinVar aggregate classification (germline): Uncertain significance. Review status: criteria provided, multiple submitters, no conflicts (2 of 4 stars). 6 submissions from 6 submitters: Uncertain significance (6). Last evaluated 2026-06-22.

Conditions:
MFN2-related disorder. Also called: MFN2-related condition; MFN2-related disorders.
Charcot-Marie-Tooth disease type 2. Also called: Charcot-Marie-Tooth type 2. Identifiers: Orphanet 64746, MedGen C0270914, MONDO:0018993.
Inborn genetic diseases. Identifiers: MedGen C0950123, MeSH D030342.

Allele frequency attached by ClinVar (database versions not stated): gnomAD exomes 0.00001; gnomAD 0.00002; TOPMed 0.00002; ESP Exome Variant Server 0.00008.
gnomAD v4.1: 22 of 1,613,404 alleles (0.0014%); highest among the groups gnomAD compares: African/African-American, 0.0027%; no homozygotes.

Submissions (6):

PreventionGenetics, part of Exact Sciences
Classification: Uncertain significance for MFN2-related condition. Last evaluated: 2026-06-22. Review status: criteria provided, single submitter. Criteria: ACMG Guidelines, 2015. Collection method: clinical testing. Allele origin: germline.
Comment: The MFN2 c.823C>T variant is predicted to result in the amino acid substitution p.Arg275Trp. This variant has been reported in an individual with features of Charcot-Marie-Tooth disease; however, it was inherited from the father who was not clearly indicated as affected or unaffected (Supp. Table 1, Gorukmez et al. 2023. PubMed ID: 36964972). This variant is reported in 0.0033% of alleles in individuals of South Asian descent in gnomAD. At this time, the clinical significance of this variant is uncertain due to the absence of conclusive functional and genetic evidence.

GeneDx
Classification: Uncertain significance. Last evaluated: 2026-02-24. Review status: criteria provided, single submitter. Criteria: GeneDx Variant Classification Process June 2021. Collection method: clinical testing. Allele origin: germline.
Comment: Observed in patients with clinical features consistent with an MFN2-related disorder in published literature; however, detailed clinical information was not available for each patient (PMID: 36964972, 38549004, 25614874); In silico analysis supports that this missense variant has a deleterious effect on protein structure/function; This variant is associated with the following publications: (PMID: 24863639, 25614874, 36964972, 38549004)

Labcorp Genetics (formerly Invitae), Labcorp
Classification: Uncertain significance for Charcot-Marie-Tooth disease type 2. Last evaluated: 2025-08-24. Review status: criteria provided, single submitter. Criteria: Invitae Variant Classification Sherloc (09022015). Collection method: clinical testing. Allele origin: germline.
Comment: This sequence change replaces arginine, which is basic and polar, with tryptophan, which is neutral and slightly polar, at codon 275 of the MFN2 protein (p.Arg275Trp). This variant is present in population databases (rs368499636, gnomAD 0.003%). This missense change has been observed in individual(s) with clinical features of Charcot-Marie-Tooth disease (PMID: 36964972). ClinVar contains an entry for this variant (Variation ID: 444157). Invitae Evidence Modeling of protein sequence and biophysical properties (such as structural, functional, and spatial information, amino acid conservation, physicochemical variation, residue mobility, and thermodynamic stability) has been performed for this missense variant. However, the output from this modeling did not meet the statistical confidence thresholds required to predict the impact of this variant on MFN2 protein function. In summary, the available evidence is currently insufficient to determine the role of this variant in disease. Therefore, it has been classified as a Variant of Uncertain Significance.

Women's Health and Genetics/Laboratory Corporation of America, LabCorp
Classification: Uncertain significance. Last evaluated: 2024-02-12. Review status: criteria provided, single submitter. Criteria: LabCorp Variant Classification Summary - May 2015. Collection method: clinical testing. Allele origin: germline.
Comment: Variant summary: MFN2 c.823C>T (p.Arg275Trp) results in a non-conservative amino acid change located in the Dynamin-type guanine nucleotide-binding (G) domain (IPR030381) of the encoded protein sequence. Five of five in-silico tools predict a damaging effect of the variant on protein function. The variant allele was found at a frequency of 1.2e-05 in 250200 control chromosomes. The available data on variant occurrences in the general population are insufficient to allow any conclusion about variant significance. c.823C>T has been reported in the literature in at least one heterozygous individual affected with Charcot-Marie-Tooth Disease, Axonal, Type 2A2A, Autosomal Dominant. These data do not provide sufficient evidence to allow any conclusion about variant significance. To our knowledge, no experimental evidence demonstrating an impact on protein function has been reported. The following publication has been ascertained in the context of this evaluation (PMID: 36964972). ClinVar contains an entry for this variant (Variation ID: 444157). Based on the evidence outlined above, the variant was classified as uncertain significance.

Ambry Genetics
Classification: Uncertain significance for Inborn genetic diseases. Last evaluated: 2022-07-15. Review status: criteria provided, single submitter. Criteria: Ambry Variant Classification Scheme 2023. Collection method: clinical testing. Allele origin: germline.
Comment: The p.R275W variant (also known as c.823C>T), located in coding exon 7 of the MFN2 gene, results from a C to T substitution at nucleotide position 823. The arginine at codon 275 is replaced by tryptophan, an amino acid with dissimilar properties. This amino acid position is highly conserved in available vertebrate species. In addition, this alteration is predicted to be deleterious by in silico analysis. Since supporting evidence is limited at this time, the clinical significance of this alteration remains unclear.

CeGaT Center for Human Genetics Tuebingen
Classification: Uncertain significance. Last evaluated: 2017-02-01. Review status: criteria provided, single submitter. Criteria: CeGaT Center For Human Genetics Tuebingen Variant Classification Criteria Version 2. Collection method: clinical testing. Allele origin: germline. Affected: yes. Observed: 1 variant allele.

Literature cited by the submitters: PubMed 36964972 (cited by Labcorp Genetics (formerly Invitae), Labcorp and Women's Health and Genetics/Laboratory Corporation of America, LabCorp).

NM_014874.4(MFN2):c.823C>T (p.Arg275Trp)

Gene: MFN2 (mitofusin 2; plus strand). Cytogenetic location: 1p36.22.
Variant type: single nucleotide variant.
Coding change: c.823C>T on transcript NM_014874.4 (MANE Select); coding-DNA position 823, C replaced by T.
Protein change: p.Arg275Trp; replaces arginine 275 with tryptophan.
Molecular consequence: missense variant.
Genome position (GRCh38, 1-based): chr1:12,001,407, C>T. VCF-style: chr1-12001407-C-T. GRCh37 (hg19) VCF-style: chr1-12061464-C-T.
Other names: c.823C>T, p.Arg275Trp (NM_001127660.2); short protein forms R275W.
Identifiers: ClinVar variation 444157 (VCV000444157.34), dbSNP rs368499636, ClinGen allele CA18009957.